The following is an entry in ClinVar:

NM_022089.4(ATP13A2):c.3503_3516dup (p.Pro1173fs)

Gene: ATP13A2 (ATPase cation transporting 13A2; minus strand). Cytogenetic location: 1p36.13.
Variant type: Duplication.
Coding change: c.3503_3516dup on transcript NM_022089.4 (MANE Select); coding-DNA positions 3503 to 3516, 14 bases duplicated (AGCAGCCCTGGCCG).
Protein change: p.Pro1173fs; shifts the reading frame from proline 1173.
Molecular consequence: frameshift variant.
Genome position (GRCh38, 1-based): chr1:16,986,248-16,986,261, CGGCCAGGGCTGCT duplicated on the plus strand (AGCAGCCCTGGCCG on the coding strand, the reverse complement: ATP13A2 is on the minus strand); duplicating any 14 consecutive bases within chr1:16,986,248-16,986,268 gives the same sequence; the c. name uses the placement nearest the transcript's 3' end. VCF-style (leftmost placement, unchanged base first): chr1-16986247-G-GCGGCCAGGGCTGCT. GRCh37 (hg19) VCF-style: chr1-17312742-G-GCGGCCAGGGCTGCT.
Other names: c.3503_3516dupAGCAGCCCTGGCCG (NM_022089.2); c.3488_3501dup, p.Pro1168fs (NM_001141973.3); c.3201_3214dup, p.Ala1072fs (NM_001141974.3); c.3503_3516dup14 (NM_022089.3); short protein forms A1072fs, P1173fs, P1168fs.
Identifiers: ClinVar variation 1481567 (VCV001481567.7), dbSNP rs779637529, ClinGen allele CA636463.

ClinVar aggregate classification (germline): Conflicting classifications of pathogenicity. Review status: criteria provided, conflicting classifications (1 of 4 stars). 5 submissions from 5 submitters: Uncertain significance (4); Likely benign (1). Last evaluated 2024-02-16.

Conditions:
Autosomal recessive spastic paraplegia type 78. Identifiers: Orphanet 513436, MedGen C5567893, MONDO:0014975, OMIM 617225.
Kufor-Rakeb syndrome (KRS). Also called: PARKINSON DISEASE 9, AUTOSOMAL RECESSIVE, JUVENILE-ONSET. Identifiers: Orphanet 306674, Orphanet 314632, MedGen C1847640, MONDO:0011706, OMIM 606693.
Inborn genetic diseases. Identifiers: MedGen C0950123, MeSH D030342.

Submissions (5):

Blueprint Genetics
Classification: Uncertain significance. Last evaluated: 2024-02-16. Review status: criteria provided, single submitter. Criteria: ACMG Guidelines, 2015. Collection method: clinical testing. Allele origin: germline.

Ambry Genetics
Classification: Likely benign for Inborn genetic diseases. Last evaluated: 2023-12-28. Review status: criteria provided, single submitter. Criteria: Ambry Variant Classification Scheme 2023. Collection method: clinical testing. Allele origin: germline.

Women's Health and Genetics/Laboratory Corporation of America, LabCorp
Classification: Uncertain significance. Last evaluated: 2023-02-20. Review status: criteria provided, single submitter. Criteria: LabCorp Variant Classification Summary - May 2015. Collection method: clinical testing. Allele origin: germline.
Comment: Variant summary: ATP13A2 c.3503_3516dup14 (p.Pro1173SerfsX12) causes a frameshift which results in the disruption of the last 8 amino acids of the protein and an extension of the protein by 3 additional amino acids. The variant allele was found at a frequency of 7.2e-05 in 236992 control chromosomes. This frequency is not significantly higher than estimated for a pathogenic variant in ATP13A2 causing Neurodegeneration With Brain Iron Accumulation (7.2e-05 vs 0.00019), allowing no conclusion about variant significance. To our knowledge, no occurrence of c.3503_3516dup14 in individuals affected with Neurodegeneration With Brain Iron Accumulation and no experimental evidence demonstrating its impact on protein function have been reported. One clinical diagnostic laboratory has submitted clinical-significance assessments for this variant to ClinVar after 2014 without evidence for independent evaluation. One laboratory classified the variant as uncertain significance. Based on the evidence outlined above, the variant was classified as VUS.

Labcorp Genetics (formerly Invitae), Labcorp
Classification: Uncertain significance for Kufor-Rakeb syndrome; Autosomal recessive spastic paraplegia type 78. Last evaluated: 2022-09-27. Review status: criteria provided, single submitter. Criteria: Invitae Variant Classification Sherloc (09022015). Collection method: clinical testing. Allele origin: germline.
Comment: This sequence change results in a frameshift in the ATP13A2 gene (p.Pro1173Serfs*12). While this is not anticipated to result in nonsense mediated decay, it is expected to disrupt the last 8 amino acid(s) of the ATP13A2 protein and extend the protein by 3 additional amino acid residues. This variant is present in population databases (rs779637529, gnomAD 0.1%). This variant has not been reported in the literature in individuals affected with ATP13A2-related conditions. ClinVar contains an entry for this variant (Variation ID: 1481567). Experimental studies and prediction algorithms are not available or were not evaluated, and the functional significance of this variant is currently unknown. In summary, the available evidence is currently insufficient to determine the role of this variant in disease. Therefore, it has been classified as a Variant of Uncertain Significance.

Breakthrough Genomics
Classification: Uncertain significance. Review status: criteria provided, single submitter. Criteria: ACMG Guidelines, 2015. Collection method: not provided. Allele origin: germline. Inheritance: Autosomal recessive inheritance. Affected: yes.